The following is an entry in ClinVar:

NM_000827.4(GRIA1):c.1033C>T (p.Arg345Ter)

Gene: GRIA1 (glutamate ionotropic receptor AMPA type subunit 1; plus strand). Cytogenetic location: 5q33.2.
Variant type: single nucleotide variant.
Coding change: c.1033C>T on transcript NM_000827.4 (MANE Select); coding-DNA position 1033, C replaced by T.
Protein change: p.Arg345Ter; replaces arginine 345 with a stop codon.
Molecular consequence: nonsense. On other transcripts: non-coding transcript variant (2).
Genome position (GRCh38, 1-based): chr5:153,686,228, C>T. VCF-style: chr5-153686228-C-T. GRCh37 (hg19) VCF-style: chr5-153065788-C-T.
Other names: c.1033C>T, p.Arg345Ter (NM_001114183.2); c.793C>T, p.Arg265Ter (NM_001258019.2); c.748C>T, p.Arg250Ter (NM_001258020.2); c.1063C>T, p.Arg355Ter (NM_001258021.2, NM_001258022.2); c.826C>T, p.Arg276Ter (NM_001258023.1, NM_001364167.2); c.865C>T, p.Arg289Ter (NM_001364165.2); c.1060C>T, p.Arg354Ter (NM_001364166.2); short protein forms R250*, R265*, R276*, R289*, R345*, R354*, R355*.
Identifiers: ClinVar variation 4534288 (VCV004534288.6).

ClinVar aggregate classification (germline): Uncertain significance (1 of 4 stars; one submission).

gnomAD v4.1: 1 of 1,612,430 alleles (0.000062%); highest among the groups gnomAD compares: Non-Finnish European, 0.000085%; no homozygotes.

Submission:

CeGaT Center for Human Genetics Tuebingen
Classification: Uncertain significance. Last evaluated: 2025-11-01. Review status: criteria provided, single submitter. Criteria: CeGaT Center For Human Genetics Tuebingen Variant Classification Criteria Version 2. Collection method: clinical testing. Allele origin: germline. Affected: yes. Observed: 1 variant allele.
Comment: GRIA1: PM2, PVS1:Moderate, PS2:Supporting